The following is an entry in ClinVar:

NM_001352027.3(PHF21A):c.2032G>A (p.Glu678Lys)

Gene: PHF21A (PHD finger protein 21A; minus strand). Cytogenetic location: 11p11.2.
Variant type: single nucleotide variant.
Coding change: c.2032G>A on transcript NM_001352027.3 (MANE Select); coding-DNA position 2032, G replaced by A.
Protein change: p.Glu678Lys; replaces glutamic acid 678 with lysine.
Molecular consequence: missense variant. On other transcripts: non-coding transcript variant (2).
Genome position (GRCh38, 1-based): chr11:45,933,982, C>T on the plus strand (G>A on the coding strand, the complement: PHF21A is on the minus strand). VCF-style: chr11-45933982-C-T. GRCh37 (hg19) VCF-style: chr11-45955533-C-T.
Other names: c.1891G>A (NM_016621.3); c.2029G>A, p.Glu677Lys (NM_001101802.3); c.2032G>A, p.Glu678Lys (NM_001352025.3, NM_001352026.3); c.1891G>A, p.Glu631Lys (NM_001352028.1, NM_001352029.1, NM_016621.5); c.1888G>A, p.Glu630Lys (NM_001352030.3, NM_001352031.3, NM_001352032.3); short protein forms E630K, E677K, E678K, E631K.
Identifiers: ClinVar variation 3005664 (VCV003005664.4), dbSNP rs991807725, ClinGen allele CA221608049.
Genomic context (GRCh38, chr11:45,933,982, plus strand): 5'-TTCTCCTTGCCGCCGGGATCCCGTGGCTTCTCCTAGAGGGGCTCTGTTATTTAGTCTCTT[C>T]CCCCTGGTTACAGTTCGCTGTGCAGCTCTGGGAGGAGGGGGAAGGGGCCGGCGTGGAGGT-3'
Protein context (NP_001338956.1, residues 668-681): QSCTANCNQG[Glu678Lys]ETK

ClinVar aggregate classification (germline): Uncertain significance. Review status: criteria provided, multiple submitters, no conflicts (2 of 4 stars). 2 submissions from 2 submitters: Uncertain significance (2). Last evaluated 2025-10-20.

Conditions:
PHF21A-related disorder. Also called: PHF21A-related condition.

Allele frequency attached by ClinVar (database versions not stated): gnomAD exomes below 0.00001; TOPMed below 0.00001.
gnomAD v4.1: 3 of 1,569,042 alleles (0.00019%); highest among the groups gnomAD compares: Admixed American, 0.0019%; no homozygotes.

Submissions (2):

PreventionGenetics, part of Exact Sciences
Classification: Uncertain significance for PHF21A-related condition. Last evaluated: 2025-10-20. Review status: criteria provided, single submitter. Criteria: ACMG Guidelines, 2015. Collection method: clinical testing. Allele origin: germline.
Comment: The PHF21A c.1891G>A variant is predicted to result in the amino acid substitution p.Glu631Lys. To our knowledge, this variant has not been reported in the literature or in a large population database (gnomAD), indicating this variant is rare. At this time, the clinical significance of this variant is uncertain due to the absence of conclusive functional and genetic evidence.

Labcorp Genetics (formerly Invitae), Labcorp
Classification: Uncertain significance. Last evaluated: 2023-12-22. Review status: criteria provided, single submitter. Criteria: Invitae Variant Classification Sherloc (09022015). Collection method: clinical testing. Allele origin: germline.
Comment: This sequence change replaces glutamic acid, which is acidic and polar, with lysine, which is basic and polar, at codon 677 of the PHF21A protein (p.Glu677Lys). This variant is not present in population databases (gnomAD no frequency). This variant has not been reported in the literature in individuals affected with PHF21A-related conditions. An algorithm developed to predict the effect of missense changes on protein structure and function (PolyPhen-2) suggests that this variant is likely to be tolerated. In summary, the available evidence is currently insufficient to determine the role of this variant in disease. Therefore, it has been classified as a Variant of Uncertain Significance.